The following is an entry in ClinVar:

ClinVar aggregate classification (germline): Pathogenic (1 of 4 stars; one submission).

Conditions:
Developmental and epileptic encephalopathy, 9 (DEE9). Also called: Early infantile epileptic encephalopathy 9; EPILEPSY, FEMALE-RESTRICTED, WITH MENTAL RETARDATION; PCDH19-Related X-Linked Female-Limited Epilepsy with Mental Retardation; JUBERG-HELLMAN SYNDROME. Identifiers: Orphanet 101039, Orphanet 2076, MedGen C1848137, MONDO:0010246, OMIM 300088. Disease mechanism: loss of function.

Submission:

Labcorp Genetics (formerly Invitae), Labcorp
Classification: Pathogenic for Developmental and epileptic encephalopathy, 9. Last evaluated: 2017-07-31. Review status: criteria provided, single submitter. Criteria: Invitae Variant Classification Sherloc (09022015). Collection method: clinical testing. Allele origin: germline.
Comment: For these reasons, this variant has been classified as Pathogenic. Loss-of-function variants in PCDH19 are known to be pathogenic (PMID: 21053371). This variant has not been reported in the literature in individuals with PCDH19-related disease. This variant is not present in population databases (ExAC no frequency). This sequence change creates a premature translational stop signal (p.Arg207Glufs*5) in the PCDH19 gene. It is expected to result in an absent or disrupted protein product.

Literature cited by the submitters: PubMed 21053371.

NM_001184880.2(PCDH19):c.619del (p.Arg207fs)

Gene: PCDH19 (protocadherin 19; minus strand). Cytogenetic location: Xq22.1.
Variant type: Deletion.
Coding change: c.619del on transcript NM_001184880.2 (MANE Select); coding-DNA position 619, one base deleted (C; older notation c.619delC).
Protein change: p.Arg207fs; shifts the reading frame from arginine 207.
Molecular consequence: frameshift variant.
Genome position (GRCh38, 1-based): chrX:100,407,979, G deleted on the plus strand (C on the coding strand, the reverse complement: PCDH19 is on the minus strand); the first of 2 consecutive G bases (chrX:100,407,979-100,407,980); deleting either gives the same sequence. VCF-style (leftmost placement, unchanged base first): chrX-100407978-CG-C. GRCh37 (hg19) VCF-style: chrX-99662976-CG-C.
Other names: c.619del, p.Arg207fs (NM_001105243.2, NM_020766.3); short protein forms R207fs.
Identifiers: ClinVar variation 465307 (VCV000465307.7), dbSNP rs1555985543, ClinGen allele CA658659029.